The following is an entry in ClinVar:

NM_005120.3(MED12):c.6282G>A (p.Gln2094=)

Gene: MED12 (mediator complex subunit 12; plus strand). Cytogenetic location: Xq13.1.
Variant type: single nucleotide variant.
Coding change: c.6282G>A on transcript NM_005120.3 (MANE Select); coding-DNA position 6282, G replaced by A.
Protein change: p.Gln2094=; no amino-acid change (glutamine 2094 retained).
Molecular consequence: synonymous variant.
Genome position (GRCh38, 1-based): chrX:71,141,244, G>A. VCF-style: chrX-71141244-G-A. GRCh37 (hg19) VCF-style: chrX-70361094-G-A.
Identifiers: ClinVar variation 4821739 (VCV004821739.4).
Genomic context (GRCh38, chrX:71,141,244, plus strand): 5'-GCTTCCTCCCTCTGCTCCTTCTGAAGTATCTTTTGTGTTCTTATAGCAGCAGCAGCAACA[G>A]CAACAGCAGCAGCAGCAGCAGCAGCAACAGCAACAGCAGCAGCAGCAACAGCAACAACAG-3'
Protein context (NP_005111.2, residues 2084-2104): QQQILRQQQQ[Gln2094=]QQQQQQQQQQ

ClinVar aggregate classification (germline): Likely benign (1 of 4 stars; one submission).

Submission:

CeGaT Center for Human Genetics Tuebingen
Classification: Likely benign. Last evaluated: 2026-01-01. Review status: criteria provided, single submitter. Criteria: CeGaT Center For Human Genetics Tuebingen Variant Classification Criteria Version 2. Collection method: clinical testing. Allele origin: germline. Affected: yes. Observed: 1 variant allele.
Comment: MED12: PM2:Supporting, BP4, BP7